The following is an entry in ClinVar:

NM_003743.5(NCOA1):c.2993C>T (p.Pro998Leu)

Gene: NCOA1 (nuclear receptor coactivator 1; plus strand). Cytogenetic location: 2p23.3.
Variant type: single nucleotide variant.
Coding change: c.2993C>T on transcript NM_003743.5 (MANE Select); coding-DNA position 2993, C replaced by T.
Protein change: p.Pro998Leu; replaces proline 998 with leucine.
Molecular consequence: missense variant.
Genome position (GRCh38, 1-based): chr2:24,729,607, C>T. VCF-style: chr2-24729607-C-T. GRCh37 (hg19) VCF-style: chr2-24952476-C-T.
Other names: c.2993C>T, p.Pro998Leu (NM_001362950.1, NM_001362952.1, NM_001362954.1 and 3 more transcripts); short protein forms P998L.
Identifiers: ClinVar variation 3347969 (VCV003347969.1).

ClinVar aggregate classification (germline): Uncertain significance (0 of 4 stars; one submission).

Conditions:
NCOA1-related disorder. Also called: NCOA1-related condition.

Submission:

PreventionGenetics, part of Exact Sciences
Classification: Uncertain significance for NCOA1-related condition. Last evaluated: 2024-03-06. Review status: no assertion criteria provided. Collection method: clinical testing. Allele origin: germline.
Comment: The NCOA1 c.2993C>T variant is predicted to result in the amino acid substitution p.Pro998Leu. To our knowledge, this variant has not been reported in the literature or in a large population database, indicating this variant is rare. At this time, the clinical significance of this variant is uncertain due to the absence of conclusive functional and genetic evidence.